The following is an entry in ClinVar:

NM_001034850.3(RETREG1):c.606T>A (p.Ser202Arg)

Gene: RETREG1 (reticulophagy regulator 1; minus strand). Cytogenetic location: 5p15.1.
Variant type: single nucleotide variant.
Coding change: c.606T>A on transcript NM_001034850.3 (MANE Select); coding-DNA position 606, T replaced by A.
Protein change: p.Ser202Arg; replaces serine 202 with arginine.
Molecular consequence: missense variant.
Genome position (GRCh38, 1-based): chr5:16,481,073, A>T on the plus strand (T>A on the coding strand, the complement: RETREG1 is on the minus strand). VCF-style: chr5-16481073-A-T. GRCh37 (hg19) VCF-style: chr5-16481182-A-T.
Other names: c.183T>A, p.Ser61Arg (NM_019000.5); short protein forms S202R, S61R.
Identifiers: ClinVar variation 373507 (VCV000373507.1), dbSNP rs763886231, ClinGen allele CA16042595.
Genomic context (GRCh38, chr5:16,481,073, plus strand): 5'-TAGATAGCTGAGTATAACCCCAGGAATGTAACTTCCCAAGATCGTAAAAAATGTGCACAC[A>T]CTACAGACCAGGAGACAAAACTGGAAATAATAGAAATAACATGGGATAGTTAAGCATAAC-3'
Protein context (NP_001030022.1, residues 192-212): SPGKFCLLVC[Ser202Arg]VCTFFTILGS

ClinVar aggregate classification (germline): Uncertain significance (1 of 4 stars; one submission).

Submission:

GeneDx
Classification: Uncertain significance. Last evaluated: 2016-11-29. Review status: criteria provided, single submitter. Criteria: GeneDx Variant Classification (06012015). Collection method: clinical testing. Allele origin: germline. Affected: yes.
Comment: A variant of uncertain significance has been identified in the FAM134B gene. The S202R variant has not been published as a pathogenic variant, nor has it been reported as a benign variant to our knowledge. It was not observed in approximately 6,000 individuals of European and African American ancestry in the NHLBI Exome Sequencing Project, indicating it is not a common benign variant in these populations. The S202R variant is a semi-conservative amino acid substitution, which may impact secondary protein structure as these residues differ in some properties. This substitution occurs at a position that is conserved across species and in silico analysis predicts this variant is probably damaging to the protein structure/function. However, missense variants have not been reported in association with neuropathy (Stenson et al., 2014). Therefore, based on the currently available information, it is unclear whether this variant is a pathogenic variant or a rare benign variant.